The following is an entry in ClinVar:

ClinVar aggregate classification (germline): Uncertain significance. Review status: criteria provided, multiple submitters, no conflicts (2 of 4 stars). 2 submissions from 2 submitters: Uncertain significance (2). Last evaluated 2026-01-13.

Conditions:
Granulomatous disease, chronic, autosomal recessive, cytochrome b-positive, type 3. Also called: Granulomatous disease, chronic, autosomal recessive, cytochrome b-positive, type III; GRANULOMATOUS DISEASE, CHRONIC, DUE TO NCF4 DEFICIENCY; GRANULOMATOUS DISEASE, CHRONIC, AUTOSOMAL RECESSIVE, 3; CGD, AUTOSOMAL RECESSIVE CYTOCHROME b-POSITIVE, TYPE III. Identifiers: Orphanet 379, MedGen C3151409, MONDO:0013507, OMIM 613960.

Allele frequency attached by ClinVar (database versions not stated): gnomAD 0.00001; TOPMed 0.00001.
gnomAD v4.1: 10 of 1,613,676 alleles (0.00062%); highest among the groups gnomAD compares: East Asian, 0.0022%; no homozygotes.

Submissions (2):

Labcorp Genetics (formerly Invitae), Labcorp
Classification: Uncertain significance for Granulomatous disease, chronic, autosomal recessive, cytochrome b-positive, type 3. Last evaluated: 2026-01-13. Review status: criteria provided, single submitter. Criteria: Invitae Variant Classification Sherloc (09022015). Collection method: clinical testing. Allele origin: germline.
Comment: This sequence change replaces arginine, which is basic and polar, with histidine, which is basic and polar, at codon 72 of the NCF4 protein (p.Arg72His). This variant is present in population databases (no rsID available, gnomAD 0.003%). This variant has not been reported in the literature in individuals affected with NCF4-related conditions. ClinVar contains an entry for this variant (Variation ID: 1522106). An algorithm developed to predict the effect of missense changes on protein structure and function (PolyPhen-2) suggests that this variant is likely to be disruptive. In summary, the available evidence is currently insufficient to determine the role of this variant in disease. Therefore, it has been classified as a Variant of Uncertain Significance.

Ambry Genetics
Classification: Uncertain significance. Last evaluated: 2025-08-13. Review status: criteria provided, single submitter. Criteria: Ambry Variant Classification Scheme 2023. Collection method: clinical testing. Allele origin: germline.

NM_000631.5(NCF4):c.215G>A (p.Arg72His)

Genes: NCF4 (neutrophil cytosolic factor 4; plus strand), NCF4-AS1 (NCF4 antisense RNA 1; minus strand). Cytogenetic location: 22q12.3.
Variant type: single nucleotide variant.
Coding change: c.215G>A on transcript NM_000631.5 (MANE Select); coding-DNA position 215, G replaced by A.
Protein change: p.Arg72His; replaces arginine 72 with histidine.
Molecular consequence: missense variant.
Genome position (GRCh38, 1-based): chr22:36,865,016, G>A. VCF-style: chr22-36865016-G-A. GRCh37 (hg19) VCF-style: chr22-37261058-G-A.
Other names: c.215G>A (NM_013416.3); c.215G>A, p.Arg72His (NM_013416.4); short protein forms R72H.
Identifiers: ClinVar variation 1522106 (VCV001522106.7), dbSNP rs1383395509, ClinGen allele CA411379267.